The following is an entry in ClinVar:

NM_032229.3(SLITRK6):c.826C>G (p.His276Asp)

Gene: SLITRK6 (SLIT and NTRK like family member 6; minus strand). Cytogenetic location: 13q31.1.
Variant type: single nucleotide variant.
Coding change: c.826C>G on transcript NM_032229.3 (MANE Select); coding-DNA position 826, C replaced by G.
Protein change: p.His276Asp; replaces histidine 276 with aspartic acid.
Molecular consequence: missense variant.
Genome position (GRCh38, 1-based): chr13:85,795,683, G>C on the plus strand (C>G on the coding strand, the complement: SLITRK6 is on the minus strand). VCF-style: chr13-85795683-G-C. GRCh37 (hg19) VCF-style: chr13-86369818-G-C.
Other names: short protein forms H276D.
Identifiers: ClinVar variation 3898870 (VCV003898870.1).
Genomic context (GRCh38, chr13:85,795,683, plus strand): 5'-TGCGACTATCATTTATTGAAGATGTTGCTGCCAGATGTAATGATCCTGAAGGATCCTCAT[G>C]TTCTTCATACACTGGTGGAGTAGGGCAAATAGATTCCTTCTTTAGTCTACTGAGTATACT-3'
Protein context (NP_115605.2, residues 266-286): ICPTPPVYEE[His276Asp]EDPSGSLHLA

ClinVar aggregate classification (germline): Uncertain significance (1 of 4 stars; one submission).

Submission:

GeneDx
Classification: Uncertain significance. Last evaluated: 2024-11-06. Review status: criteria provided, single submitter. Criteria: GeneDx Variant Classification Process June 2021. Collection method: clinical testing. Allele origin: germline. Affected: yes.
Comment: Not observed at significant frequency in large population cohorts (gnomAD); In silico analysis indicates that this missense variant does not alter protein structure/function; Has not been previously published as pathogenic or benign to our knowledge